The following is an entry in ClinVar:

NM_000455.5(STK11):c.989_996del (p.Asp330fs)

Genes: STK11 (serine/threonine kinase 11; plus strand), LOC130062899 (ATAC-STARR-seq lymphoblastoid active region 13597; plus strand). Cytogenetic location: 19p13.3.
Variant type: Deletion.
Coding change: c.989_996del on transcript NM_000455.5 (MANE Select); coding-DNA positions 989 to 996, 8 bases deleted (ACCGGTGG; older notation c.989_996delACCGGTGG).
Protein change: p.Asp330fs; shifts the reading frame from aspartic acid 330.
Molecular consequence: frameshift variant.
Genome position (GRCh38, 1-based): chr19:1,223,053-1,223,060, ACCGGTGG deleted; deleting any 8 consecutive bases within chr19:1,223,051-1,223,060 gives the same sequence; the c. name uses the placement nearest the transcript's 3' end. VCF-style (leftmost placement, unchanged base first): chr19-1223050-AGGACCGGT-A. GRCh37 (hg19) VCF-style: chr19-1223049-AGGACCGGT-A.
Other names: c.989_996delACCGGTGG (NM_000455.4); short protein forms D330fs.
Identifiers: ClinVar variation 403776 (VCV000403776.9), dbSNP rs1060499960, ClinGen allele CA16616228.

ClinVar aggregate classification (germline): Pathogenic (1 of 4 stars; one submission).

Conditions:
Peutz-Jeghers syndrome (PJS). Also called: Peutz-Jeghers polyposis; Periorificial lentiginosis syndrome; POLYPOSIS, HAMARTOMATOUS INTESTINAL; POLYPS-AND-SPOTS SYNDROME. Identifiers: Orphanet 2869, MedGen C0031269, MeSH D010580, MONDO:0008280, OMIM 175200.

Submission:

Labcorp Genetics (formerly Invitae), Labcorp
Classification: Pathogenic for Peutz-Jeghers syndrome. Last evaluated: 2019-08-21. Review status: criteria provided, single submitter. Criteria: Invitae Variant Classification Sherloc (09022015). Collection method: clinical testing. Allele origin: germline.
Comment: This sequence change creates a premature translational stop signal (p.Asp330Alafs*27) in the STK11 gene. It is expected to result in an absent or disrupted protein product. This variant is not present in population databases (ExAC no frequency). This variant has not been reported in the literature in individuals with STK11-related conditions. ClinVar contains an entry for this variant (Variation ID: 403776). Loss-of-function variants in STK11 are known to be pathogenic (PMID: 15188174, 16287113). For these reasons, this variant has been classified as Pathogenic.

Literature cited by the submitters: PubMed 15188174; PubMed 16287113.